The following is an entry in ClinVar:

NM_001144937.3(FNDC7):c.1818A>G (p.Thr606=)

Gene: FNDC7 (fibronectin type III domain containing 7; plus strand). Cytogenetic location: 1p13.3.
Variant type: single nucleotide variant.
Coding change: c.1818A>G on transcript NM_001144937.3 (MANE Select); coding-DNA position 1818, A replaced by G.
Protein change: p.Thr606=; no amino-acid change (threonine 606 retained).
Molecular consequence: synonymous variant.
Genome position (GRCh38, 1-based): chr1:108,730,867, A>G. VCF-style: chr1-108730867-A-G. GRCh37 (hg19) VCF-style: chr1-109273489-A-G.
Identifiers: ClinVar variation 2638965 (VCV002638965.24), dbSNP rs148507979, ClinGen allele CA981184.

ClinVar aggregate classification (germline): Likely benign (1 of 4 stars; one submission).

Allele frequency attached by ClinVar (database versions not stated): TOPMed 0.00002; gnomAD 0.00005; ExAC 0.00010; gnomAD exomes 0.00016; 1000 Genomes Project 30x 0.00031; 1000 Genomes Project 0.00040.
gnomAD v4.1: 236 of 1,613,994 alleles (0.015%); highest among the groups gnomAD compares: East Asian, 0.51%; 2 homozygotes.

Submission:

CeGaT Center for Human Genetics Tuebingen
Classification: Likely benign. Last evaluated: 2022-03-01. Review status: criteria provided, single submitter. Criteria: CeGaT Center For Human Genetics Tuebingen Variant Classification Criteria Version 2. Collection method: clinical testing. Allele origin: germline. Affected: yes. Observed: 1 variant allele.
Comment: FNDC7: BP4, BP7